The following is an entry in ClinVar:

NM_005585.5(SMAD6):c.208G>A (p.Asp70Asn)

Gene: SMAD6 (SMAD family member 6; plus strand). Cytogenetic location: 15q22.31.
Variant type: single nucleotide variant.
Coding change: c.208G>A on transcript NM_005585.5 (MANE Select); coding-DNA position 208, G replaced by A.
Protein change: p.Asp70Asn; replaces aspartic acid 70 with asparagine.
Molecular consequence: missense variant. On other transcripts: non-coding transcript variant (1).
Genome position (GRCh38, 1-based): chr15:66,703,466, G>A. VCF-style: chr15-66703466-G-A. GRCh37 (hg19) VCF-style: chr15-66995804-G-A.
Other names: short protein forms D70N.
Identifiers: ClinVar variation 1924555 (VCV001924555.5), dbSNP rs1434901803, ClinGen allele CA392948907.

ClinVar aggregate classification (germline): Uncertain significance (1 of 4 stars; one submission).

Conditions:
Aortic valve disease 2 (AOVD2). Identifiers: MedGen C3542024, MONDO:0013902, OMIM 614823.

Allele frequency attached by ClinVar (database versions not stated): TOPMed below 0.00001; gnomAD 0.00001.
gnomAD v4.1: 3 of 1,249,068 alleles (0.00024%); highest among the groups gnomAD compares: African/African-American, 0.0016%; no homozygotes.

Submission:

Labcorp Genetics (formerly Invitae), Labcorp
Classification: Uncertain significance for Aortic valve disease 2. Last evaluated: 2022-07-12. Review status: criteria provided, single submitter. Criteria: Invitae Variant Classification Sherloc (09022015). Collection method: clinical testing. Allele origin: germline.
Comment: This variant has not been reported in the literature in individuals affected with SMAD6-related conditions. Algorithms developed to predict the effect of missense changes on protein structure and function (SIFT, PolyPhen-2, Align-GVGD) all suggest that this variant is likely to be tolerated. In summary, the available evidence is currently insufficient to determine the role of this variant in disease. Therefore, it has been classified as a Variant of Uncertain Significance. This variant is present in population databases (no rsID available, gnomAD 0.01%). This sequence change replaces aspartic acid, which is acidic and polar, with asparagine, which is neutral and polar, at codon 70 of the SMAD6 protein (p.Asp70Asn).